The following is an entry in ClinVar:

ClinVar aggregate classification (germline): Uncertain significance (1 of 4 stars; one submission).

Conditions:
Combined immunodeficiency due to DOCK8 deficiency (HIES2). Also called: HIES autosomal recessive; DOCK8 Deficiency; Hyper-IgE recurrent infection syndrome, autosomal recessive; HYPER-IgE RECURRENT INFECTION SYNDROME 2, AUTOSOMAL RECESSIVE; HYPER-IgE SYNDROME 2, AUTOSOMAL RECESSIVE, WITH RECURRENT INFECTIONS. Identifiers: Orphanet 217390, MedGen C4722305, MONDO:0009478, OMIM 243700.

Submission:

Labcorp Genetics (formerly Invitae), Labcorp
Classification: Uncertain significance for Combined immunodeficiency due to DOCK8 deficiency. Last evaluated: 2022-05-22. Review status: criteria provided, single submitter. Criteria: Invitae Variant Classification Sherloc (09022015). Collection method: clinical testing. Allele origin: germline.
Comment: In summary, the available evidence is currently insufficient to determine the role of this variant in disease. Therefore, it has been classified as a Variant of Uncertain Significance. Algorithms developed to predict the effect of missense changes on protein structure and function (SIFT, PolyPhen-2, Align-GVGD) all suggest that this variant is likely to be tolerated. ClinVar contains an entry for this variant (Variation ID: 961431). This variant has not been reported in the literature in individuals affected with DOCK8-related conditions. This variant is not present in population databases (gnomAD no frequency). This sequence change replaces alanine, which is neutral and non-polar, with serine, which is neutral and polar, at codon 1636 of the DOCK8 protein (p.Ala1636Ser).

NM_203447.4(DOCK8):c.4906G>T (p.Ala1636Ser)

Gene: DOCK8 (dedicator of cytokinesis 8; plus strand). Cytogenetic location: 9p24.3.
Variant type: single nucleotide variant.
Coding change: c.4906G>T on transcript NM_203447.4 (MANE Select); coding-DNA position 4906, G replaced by T.
Protein change: p.Ala1636Ser; replaces alanine 1636 with serine.
Molecular consequence: missense variant.
Genome position (GRCh38, 1-based): chr9:434,802, G>T. VCF-style: chr9-434802-G-T. GRCh37 (hg19) VCF-style: chr9-434802-G-T.
Other names: c.4606G>T, p.Ala1536Ser (NM_001190458.2); c.4702G>T, p.Ala1568Ser (NM_001193536.2); short protein forms A1536S, A1636S, A1568S.
Identifiers: ClinVar variation 961431 (VCV000961431.10), dbSNP rs2056838827, ClinGen allele CA372767222.